The following is an entry in ClinVar:

ClinVar aggregate classification (germline): Uncertain significance (1 of 4 stars; one submission).

Conditions:
Autosomal recessive limb-girdle muscular dystrophy type 2A (LGMDR1). Also called: MUSCULAR DYSTROPHY, PELVOFEMORAL; Limb-girdle muscular dystrophy, type 2A; Muscular dystrophy, limb-girdle, type 2A, Amish; Calpainopathy; LEYDEN-MOEBIUS MUSCULAR DYSTROPHY. Identifiers: Orphanet 267, MedGen C1869123, MONDO:0009675, OMIM 253600. Disease mechanism: loss of function.

Submission:

Labcorp Genetics (formerly Invitae), Labcorp
Classification: Uncertain significance for Autosomal recessive limb-girdle muscular dystrophy type 2A. Last evaluated: 2022-08-15. Review status: criteria provided, single submitter. Criteria: Invitae Variant Classification Sherloc (09022015). Collection method: clinical testing. Allele origin: germline.
Comment: ClinVar contains an entry for this variant (Variation ID: 1405694). In summary, the available evidence is currently insufficient to determine the role of this variant in disease. Therefore, it has been classified as a Variant of Uncertain Significance. Advanced modeling of protein sequence and biophysical properties (such as structural, functional, and spatial information, amino acid conservation, physicochemical variation, residue mobility, and thermodynamic stability) performed at Invitae indicates that this missense variant is expected to disrupt CAPN3 protein function. This variant has not been reported in the literature in individuals affected with CAPN3-related conditions. This variant is not present in population databases (gnomAD no frequency). This sequence change replaces glutamine, which is neutral and polar, with histidine, which is basic and polar, at codon 153 of the CAPN3 protein (p.Gln153His).

NM_000070.3(CAPN3):c.459A>C (p.Gln153His)

Genes: CAPN3 (calpain 3; plus strand), LOC126862115 (BRD4-independent group 4 enhancer GRCh37_chr15:42677734-42678933; plus strand). Cytogenetic location: 15q15.1.
Variant type: single nucleotide variant.
Coding change: c.459A>C on transcript NM_000070.3 (MANE Select); coding-DNA position 459, A replaced by C.
Protein change: p.Gln153His; replaces glutamine 153 with histidine.
Molecular consequence: missense variant.
Genome position (GRCh38, 1-based): chr15:42,386,246, A>C. VCF-style: chr15-42386246-A-C. GRCh37 (hg19) VCF-style: chr15-42678444-A-C.
Other names: c.459A>C, p.Gln153His (NM_024344.2, NM_173087.2); short protein forms Q153H.
Identifiers: ClinVar variation 1405694 (VCV001405694.8), dbSNP rs2141160666, ClinGen allele CA391997632.